The following is an entry in ClinVar:

ClinVar aggregate classification (germline): Uncertain significance. Review status: criteria provided, multiple submitters, no conflicts (2 of 4 stars). 4 submissions from 4 submitters: Uncertain significance (2). 2 of the submissions do not count toward it. Last evaluated 2026-06-24.

Conditions:
F8-related disorder. Also called: F8-related condition.
Thrombophilia, X-linked, due to factor 8 defect. Also called: Thrombophilia 13, X-linked, due to factor VIII defect; THROMBOPHILIA, X-LINKED, DUE TO FACTOR VIII DEFECT. Identifiers: MedGen C5676879, MONDO:0859082, OMIM 301071.

Allele frequency attached by ClinVar (database versions not stated): ExAC 0.00002; gnomAD exomes 0.00002; TOPMed 0.00002; gnomAD 0.00005 and 0.00006; ESP Exome Variant Server 0.00009.

Submissions (5):

PreventionGenetics, part of Exact Sciences
Classification: Uncertain significance for F8-related condition. Last evaluated: 2026-06-24. Review status: criteria provided, single submitter. Criteria: ACMG Guidelines, 2015. Collection method: clinical testing. Allele origin: germline.
Comment: The F8 c.3701A>T variant is predicted to result in the amino acid substitution p.His1234Leu. This variant was reported in an individual with severe hemophilia A (Gouw et al. 2011. PubMed ID: 21070499). This variant is reported in 0.0043% of alleles in individuals of European (Non-Finnish) descent in gnomAD. At this time, the clinical significance of this variant is uncertain due to the absence of conclusive functional and genetic evidence.

Mendelics
Classification: Uncertain significance for Thrombophilia, X-linked, due to factor 8 defect. Last evaluated: 2024-03-01. Review status: criteria provided, single submitter. Criteria: Mendelics Assertion Criteria 2019. Collection method: clinical testing. Allele origin: germline.

Clinical Genetics DNA and cytogenetics Diagnostics Lab, Erasmus MC, Erasmus Medical Center
Classification: Uncertain significance. Review status: no assertion criteria provided. Collection method: clinical testing. Allele origin: germline. Affected: yes. Study: VKGL Data-share Consensus. Not counted in ClinVar's aggregate classification.

Dr. Peter K. Rogan Lab, Western University
No classification provided (evidence only). Condition: Lung cancer. Review status: no classification provided. Collection method: in vitro. Allele origin: not applicable. Functional consequence: retained intron. Not counted in ClinVar's aggregate classification.

Genome Diagnostics Laboratory, University Medical Center Utrecht
Classification: Uncertain significance. Review status: no assertion criteria provided. Collection method: clinical testing. Allele origin: germline. Affected: yes. Study: VKGL Data-share Consensus. Not counted in ClinVar's aggregate classification.

NM_000132.4(F8):c.3701A>T (p.His1234Leu)

Gene: F8 (coagulation factor VIII; minus strand). Cytogenetic location: Xq28.
Variant type: single nucleotide variant.
Coding change: c.3701A>T on transcript NM_000132.4 (MANE Select); coding-DNA position 3701, A replaced by T.
Protein change: p.His1234Leu; replaces histidine 1234 with leucine.
Molecular consequence: missense variant.
Genome position (GRCh38, 1-based): chrX:154,930,089, T>A on the plus strand (A>T on the coding strand, the complement: F8 is on the minus strand). VCF-style: chrX-154930089-T-A. GRCh37 (hg19) VCF-style: chrX-154158364-T-A.
Other names: NC_000023.10:g.154158364T>A; c.3701A>T (NM_000132.3); short protein forms H1234L.
Identifiers: ClinVar variation 1285022 (VCV001285022.6), dbSNP rs145507297, ClinGen allele CA10568187.